The following is an entry in ClinVar:

ClinVar aggregate classification (germline): Uncertain significance (1 of 4 stars; one submission).

gnomAD v4.1: 9 of 1,551,764 alleles (0.00058%); highest among the groups gnomAD compares: South Asian, 0.011%; no homozygotes.

Submission:

Labcorp Genetics (formerly Invitae), Labcorp
Classification: Uncertain significance. Last evaluated: 2024-07-11. Review status: criteria provided, single submitter. Criteria: Invitae Variant Classification Sherloc (09022015). Collection method: clinical testing. Allele origin: germline.
Comment: This sequence change replaces serine, which is neutral and polar, with isoleucine, which is neutral and non-polar, at codon 978 of the ZSWIM6 protein (p.Ser978Ile). This variant is present in population databases (rs774834890, gnomAD 0.01%). This variant has not been reported in the literature in individuals affected with ZSWIM6-related conditions. Advanced modeling of protein sequence and biophysical properties (such as structural, functional, and spatial information, amino acid conservation, physicochemical variation, residue mobility, and thermodynamic stability) performed at Invitae indicates that this missense variant is not expected to disrupt ZSWIM6 protein function with a negative predictive value of 80%. In summary, the available evidence is currently insufficient to determine the role of this variant in disease. Therefore, it has been classified as a Variant of Uncertain Significance.

NM_020928.2(ZSWIM6):c.2933G>T (p.Ser978Ile)

Gene: ZSWIM6 (zinc finger SWIM-type containing 6; plus strand). Cytogenetic location: 5q12.1.
Variant type: single nucleotide variant.
Coding change: c.2933G>T on transcript NM_020928.2 (MANE Select); coding-DNA position 2933, G replaced by T.
Protein change: p.Ser978Ile; replaces serine 978 with isoleucine.
Molecular consequence: missense variant.
Genome position (GRCh38, 1-based): chr5:61,543,602, G>T. VCF-style: chr5-61543602-G-T. GRCh37 (hg19) VCF-style: chr5-60839429-G-T.
Other names: short protein forms S978I.
Identifiers: ClinVar variation 3621922 (VCV003621922.2).